The following is an entry in ClinVar:

NM_139058.3(ARX):c.-16G>T

Gene: ARX (aristaless related homeobox; minus strand). Cytogenetic location: Xp21.3.
Variant type: single nucleotide variant.
Coding change: c.-16G>T on transcript NM_139058.3 (MANE Select); 16 bases upstream of the start codon, G replaced by T.
Molecular consequence: 5 prime UTR variant.
Genome position (GRCh38, 1-based): chrX:25,015,753, C>A on the plus strand (G>T on the coding strand, the complement: ARX is on the minus strand). VCF-style: chrX-25015753-C-A. GRCh37 (hg19) VCF-style: chrX-25033870-C-A.
Identifiers: ClinVar variation 381107 (VCV000381107.1), dbSNP rs758683675, ClinGen allele CA10373928.

ClinVar aggregate classification (germline): Likely benign (1 of 4 stars; one submission).

Allele frequency attached by ClinVar (database versions not stated): gnomAD 0.00001; gnomAD exomes 0.00001 and 0.00003; ExAC 0.00007; 1000 Genomes Project 30x 0.00021; 1000 Genomes Project 0.00026.

Submission:

GeneDx
Classification: Likely benign. Last evaluated: 2015-10-15. Review status: criteria provided, single submitter. Criteria: GeneDx Variant Classification (06012015). Collection method: clinical testing. Allele origin: germline. Affected: yes.
Comment: This variant is considered likely benign or benign based on one or more of the following criteria: it is a conservative change, it occurs at a poorly conserved position in the protein, it is predicted to be benign by multiple in silico algorithms, and/or has population frequency not consistent with disease.